The following is an entry in ClinVar:

NM_012431.3(SEMA3E):c.646C>T (p.His216Tyr)

Gene: SEMA3E (semaphorin 3E; minus strand). Cytogenetic location: 7q21.11.
Variant type: single nucleotide variant.
Coding change: c.646C>T on transcript NM_012431.3 (MANE Select); coding-DNA position 646, C replaced by T.
Protein change: p.His216Tyr; replaces histidine 216 with tyrosine.
Molecular consequence: missense variant.
Genome position (GRCh38, 1-based): chr7:83,408,392, G>A on the plus strand (C>T on the coding strand, the complement: SEMA3E is on the minus strand). VCF-style: chr7-83408392-G-A. GRCh37 (hg19) VCF-style: chr7-83037708-G-A.
Other names: c.466C>T, p.His156Tyr (NM_001178129.2); c.646C>T (NM_012431.2); short protein forms H216Y, H156Y.
Identifiers: ClinVar variation 2958257 (VCV002958257.5), dbSNP rs539156422, ClinGen allele CA4322265.

ClinVar aggregate classification (germline): Uncertain significance. Review status: criteria provided, single submitter (1 of 4 stars). 2 submissions from 2 submitters: Uncertain significance (1). 1 of the submissions does not count toward it. Last evaluated 2024-03-01.

Conditions:
SEMA3E-related disorder. Also called: SEMA3E-related condition.
CHARGE syndrome (CHARGE). Also called: Hittner Hirsch Kreh syndrome; CHARGE ASSOCIATION--COLOBOMA, HEART ANOMALY, CHOANAL ATRESIA, RETARDATION, GENITAL AND EAR ANOMALIES; Coloboma, heart anomaly, choanal atresia, retardation, genital and ear anomalies; CHARGE association; Hall-Hittner syndrome. Identifiers: Orphanet 138, MedGen C0265354, MONDO:0008965.

Allele frequency attached by ClinVar (database versions not stated): gnomAD exomes below 0.00001; TOPMed 0.00007.

Submissions (2):

Labcorp Genetics (formerly Invitae), Labcorp
Classification: Uncertain significance for CHARGE syndrome. Last evaluated: 2024-03-01. Review status: criteria provided, single submitter. Criteria: Invitae Variant Classification Sherloc (09022015). Collection method: clinical testing. Allele origin: germline.
Comment: This sequence change replaces histidine, which is basic and polar, with tyrosine, which is neutral and polar, at codon 216 of the SEMA3E protein (p.His216Tyr). This variant is present in population databases (rs539156422, gnomAD 0.007%). This variant has not been reported in the literature in individuals affected with SEMA3E-related conditions. Advanced modeling of protein sequence and biophysical properties (such as structural, functional, and spatial information, amino acid conservation, physicochemical variation, residue mobility, and thermodynamic stability) performed at Invitae indicates that this missense variant is not expected to disrupt SEMA3E protein function with a negative predictive value of 80%. In summary, the available evidence is currently insufficient to determine the role of this variant in disease. Therefore, it has been classified as a Variant of Uncertain Significance.

PreventionGenetics, part of Exact Sciences
Classification: Uncertain significance for SEMA3E-related condition. Last evaluated: 2024-01-03. Review status: no assertion criteria provided. Collection method: clinical testing. Allele origin: germline. Not counted in ClinVar's aggregate classification.
Comment: The SEMA3E c.646C>T variant is predicted to result in the amino acid substitution p.His216Tyr. To our knowledge, this variant has not been reported in the literature. This variant is reported in 0.0062% of alleles in individuals of African descent in gnomAD. At this time, the clinical significance of this variant is uncertain due to the absence of conclusive functional and genetic evidence.